The following is an entry in ClinVar:

NM_001127178.3(PIGG):c.832G>A (p.Gly278Arg)

Gene: PIGG (phosphatidylinositol glycan anchor biosynthesis class G (EMM blood group); plus strand). Cytogenetic location: 4p16.3.
Variant type: single nucleotide variant.
Coding change: c.832G>A on transcript NM_001127178.3 (MANE Select); coding-DNA position 832, G replaced by A.
Protein change: p.Gly278Arg; replaces glycine 278 with arginine.
Molecular consequence: missense variant. On other transcripts: 5 prime UTR variant (3), non-coding transcript variant (10), intron variant (1).
Genome position (GRCh38, 1-based): chr4:508,901, G>A. VCF-style: chr4-508901-G-A. GRCh37 (hg19) VCF-style: chr4-502690-G-A.
Other names: c.565G>A, p.Gly189Arg (NM_001289051.2, NM_001289053.2, NM_001289057.2 and 2 more transcripts); c.433G>A, p.Gly145Arg (NM_001289052.2); c.466G>A, p.Gly156Arg (NM_001289055.2); c.832G>A, p.Gly278Arg (NM_001345989.2, NM_017733.5); c.-794G>A (NM_001345990.2); c.-656G>A (NM_001345991.2); c.-381G>A (NM_001345994.2); c.-129+1308G>A (NM_001345988.2); short protein forms G156R, G145R, G189R, G278R.
Identifiers: ClinVar variation 664689 (VCV000664689.13), dbSNP rs552500897, ClinGen allele CA2793114.

ClinVar aggregate classification (germline): Conflicting classifications of pathogenicity. Review status: criteria provided, conflicting classifications (1 of 4 stars). 3 submissions from 3 submitters: Likely pathogenic (1); Uncertain significance (2). Last evaluated 2025-11-25.

Conditions:
Intellectual disability, autosomal recessive 53 (NEDHSCA). Also called: GLYCOSYLPHOSPHATIDYLINOSITOL BIOSYNTHESIS DEFECT 13; Mental retardation, autosomal recessive 53; NEURODEVELOPMENTAL DISORDER WITH OR WITHOUT HYPOTONIA, SEIZURES, AND CEREBELLAR ATROPHY. Identifiers: Orphanet 488635, MedGen C4310794, MONDO:0014832, OMIM 616917.

Allele frequency attached by ClinVar (database versions not stated): TOPMed 0.00003; gnomAD 0.00004; gnomAD exomes 0.00004.
gnomAD v4.1: 28 of 1,612,776 alleles (0.0017%); highest among the groups gnomAD compares: Admixed American, 0.013%; 1 homozygote.

Submissions (3):

GeneDx
Classification: Uncertain significance. Last evaluated: 2025-11-25. Review status: criteria provided, single submitter. Criteria: GeneDx Variant Classification Process June 2021. Collection method: clinical testing. Allele origin: germline. Affected: yes.
Comment: Observed with a pathogenic variant on the opposite allele (in trans) in patients referred for genetic testing at GeneDx and in a patient in published literature with clinical features suggestive of a PIGG-related disorder including developmental delay, motor delay, hypotonia and seizures (PMID: 34113002); Reported in a patient with childhood-onset motor neuropathy in published literature who harbored a second variant on the opposite allele (in trans) (PMID: 39444079); Published functional studies suggest this variant may result in absent enzyme activity, however additional evidence is needed to determine its role in disease (PMID: 34113002); In silico analysis supports that this missense variant has a deleterious effect on protein structure/function; This variant is associated with the following publications: (PMID: 33726816, 34113002, 35869530, 39444079)

Labcorp Genetics (formerly Invitae), Labcorp
Classification: Uncertain significance for Intellectual disability, autosomal recessive 53. Last evaluated: 2025-05-07. Review status: criteria provided, single submitter. Criteria: Invitae Variant Classification Sherloc (09022015). Collection method: clinical testing. Allele origin: germline.
Comment: This sequence change replaces glycine, which is neutral and non-polar, with arginine, which is basic and polar, at codon 278 of the PIGG protein (p.Gly278Arg). This variant is present in population databases (rs552500897, gnomAD 0.02%), including at least one homozygous and/or hemizygous individual. This missense change has been observed in individual(s) with clinical features of PIGG-related conditions (PMID: 34113002). ClinVar contains an entry for this variant (Variation ID: 664689). Invitae Evidence Modeling of protein sequence and biophysical properties (such as structural, functional, and spatial information, amino acid conservation, physicochemical variation, residue mobility, and thermodynamic stability) indicates that this missense variant is expected to disrupt PIGG protein function with a positive predictive value of 80%. Experimental studies have shown that this missense change affects PIGG function (PMID: 34113002). In summary, the available evidence is currently insufficient to determine the role of this variant in disease. Therefore, it has been classified as a Variant of Uncertain Significance.

Women's Health and Genetics/Laboratory Corporation of America, LabCorp
Classification: Likely pathogenic for Intellectual disability, autosomal recessive 53. Last evaluated: 2025-03-06. Review status: criteria provided, single submitter. Criteria: LabCorp Variant Classification Summary - May 2015. Collection method: clinical testing. Allele origin: germline.
Comment: Variant summary: PIGG c.832G>A (p.Gly278Arg) results in a non-conservative amino acid change in the encoded protein sequence. Four of five in-silico tools predict a damaging effect of the variant on protein function. The variant allele was found at a frequency of 4e-05 in 251466 control chromosomes in the gnomAD database, including 1 homozygotes. This frequency is not significantly higher than estimated for a pathogenic variant in PIGG causing Intellectual Disability, Autosomal Recessive 53, allowing no conclusion about variant significance. c.832G>A has been reported in the literature in individuals affected with Intellectual Disability, Autosomal Recessive 53 (e.g., Stranneheim_2021, Tremblay-Laganire_2021, Record_2024). These report(s) do not provide unequivocal conclusions about association of the variant with Intellectual Disability, Autosomal Recessive 53. At least one publication reports experimental evidence evaluating an impact on protein function (e.g., Tremblay-Laganire_2021). The most pronounced variant effect results in no enzymatic activity compared to wild-type in a PIGG/PIGO double knockout HEK293 functional assay. The following publications have been ascertained in the context of this evaluation (PMID: 33726816, 34113002, 39444079). ClinVar contains an entry for this variant (Variation ID: 664689). Based on the evidence outlined above, the variant was classified as likely pathogenic.

Literature cited by the submitters: PubMed 34113002 (cited by Labcorp Genetics (formerly Invitae), Labcorp and Women's Health and Genetics/Laboratory Corporation of America, LabCorp); PubMed 33726816 (cited by Women's Health and Genetics/Laboratory Corporation of America, LabCorp); PubMed 39444079 (cited by Women's Health and Genetics/Laboratory Corporation of America, LabCorp).